The following is an entry in ClinVar:

ClinVar aggregate classification (germline): Uncertain significance (1 of 4 stars; one submission).

Conditions:
Inborn genetic diseases. Identifiers: MedGen C0950123, MeSH D030342.

Submission:

Ambry Genetics
Classification: Uncertain significance for Inborn genetic diseases. Last evaluated: 2024-02-25. Review status: criteria provided, single submitter. Criteria: Ambry Variant Classification Scheme 2023. Collection method: clinical testing. Allele origin: germline.
Comment: The p.T2423I variant (also known as c.7268C>T), located in coding exon 49 of the LRRK2 gene, results from a C to T substitution at nucleotide position 7268. The threonine at codon 2423 is replaced by isoleucine, an amino acid with similar properties. This amino acid position is conserved. In addition, the in silico prediction for this alteration is inconclusive. Based on the available evidence, the clinical significance of this alteration remains unclear.

NM_198578.4(LRRK2):c.7268C>T (p.Thr2423Ile)

Gene: LRRK2 (leucine rich repeat kinase 2; plus strand). Cytogenetic location: 12q12.
Variant type: single nucleotide variant.
Coding change: c.7268C>T on transcript NM_198578.4 (MANE Select); coding-DNA position 7268, C replaced by T.
Protein change: p.Thr2423Ile; replaces threonine 2423 with isoleucine.
Molecular consequence: missense variant.
Genome position (GRCh38, 1-based): chr12:40,364,928, C>T. VCF-style: chr12-40364928-C-T. GRCh37 (hg19) VCF-style: chr12-40758730-C-T.
Other names: short protein forms T2423I.
Identifiers: ClinVar variation 3229783 (VCV003229783.1), dbSNP rs2500037841, ClinGen allele CA384414912.